The following is an entry in ClinVar:

ClinVar aggregate classification (germline): Pathogenic/Likely pathogenic. Review status: criteria provided, multiple submitters, no conflicts (2 of 4 stars). 3 submissions from 3 submitters: Pathogenic (1); Likely pathogenic (1). 1 of the submissions does not count toward it. Last evaluated 2025-10-06.

Conditions:
Gonadotropin-independent familial sexual precocity. Also called: TESTOTOXICOSIS, FAMILIAL; Familial male-limited precocious puberty. Identifiers: Orphanet 3000, MedGen C0342549, MONDO:0008303, OMIM 176410.

Submissions (3):

3billion
Classification: Likely pathogenic for Gonadotropin-independent familial sexual precocity. Last evaluated: 2025-10-06. Review status: criteria provided, single submitter. Criteria: ACMG Guidelines, 2015. Collection method: clinical testing. Allele origin: germline. Affected: yes.
Comment: The variant is not observed in the gnomAD v4.1.0 dataset. Predicted Consequence/Location: The variant is located in a mutational hot spot and/or well-established functional domain in which established pathogenic variants have been reported. In silico tool predictions suggest damaging effect of the variant on gene or gene product [REVEL: 0.87 (>=0.6, sensitivity 0.68 and specificity 0.92); 3Cnet: 0.99 (> 0.75, sensitivity 0.96 and precision 0.92)]. The same nucleotide change resulting in the same amino acid change has been previously reported to be associated with LHCGR-related disorder (ClinVar ID: VCV000014389 /PMID: 7757065). Therefore, this variant is classified as Likely pathogenic according to the recommendation of ACMG/AMP guideline.

GeneDx
Classification: Pathogenic. Last evaluated: 2022-12-06. Review status: criteria provided, single submitter. Criteria: GeneDx Variant Classification Process June 2021. Collection method: clinical testing. Allele origin: germline. Affected: yes.
Comment: Published functional studies demonstrate a gain-of-function effect via constitutive activation of the cAMP pathway (Kosugi et al., 1995); Not observed at significant frequency in large population cohorts (gnomAD); This variant is associated with the following publications: (PMID: 24931192, 26831561, 34013711, 16759041, 29858851, 7757065, 18088394, 19209621, 8829636, 11106922, 7892197, 8281137, 26582918, 24077912)

OMIM
Classification: Pathogenic for PRECOCIOUS PUBERTY, MALE-LIMITED. Last evaluated: 1995-02-01. Review status: no assertion criteria provided. Collection method: literature only. Allele origin: germline. Not counted in ClinVar's aggregate classification.

Literature cited by the submitters: PubMed 7757065 (cited by 3billion and OMIM).

NM_000233.4(LHCGR):c.1730C>T (p.Thr577Ile)

Genes: LHCGR (luteinizing hormone/choriogonadotropin receptor; minus strand), STON1-GTF2A1L (STON1-GTF2A1L readthrough; plus strand). Cytogenetic location: 2p16.3.
Variant type: single nucleotide variant.
Coding change: c.1730C>T on transcript NM_000233.4 (MANE Select); coding-DNA position 1730, C replaced by T.
Protein change: p.Thr577Ile; replaces threonine 577 with isoleucine.
Molecular consequence: missense variant. On other transcripts: intron variant (1).
Genome position (GRCh38, 1-based): chr2:48,688,067, G>A on the plus strand (C>T on the coding strand, the complement: LHCGR is on the minus strand). VCF-style: chr2-48688067-G-A. GRCh37 (hg19) VCF-style: chr2-48915206-G-A.
Other names: c.3441+16387G>A (NM_001198593.2); short protein forms T577I.
Identifiers: ClinVar variation 14389 (VCV000014389.3), dbSNP rs121912521, ClinGen allele CA123919.